The following is an entry in ClinVar:

NM_033118.4(MYLK2):c.976A>G (p.Met326Val)

Gene: MYLK2 (myosin light chain kinase 2; plus strand). Cytogenetic location: 20q11.21.
Variant type: single nucleotide variant.
Coding change: c.976A>G on transcript NM_033118.4 (MANE Select); coding-DNA position 976, A replaced by G.
Protein change: p.Met326Val; replaces methionine 326 with valine.
Molecular consequence: missense variant.
Genome position (GRCh38, 1-based): chr20:31,826,608, A>G. VCF-style: chr20-31826608-A-G. GRCh37 (hg19) VCF-style: chr20-30414411-A-G.
Other names: short protein forms M326V.
Identifiers: ClinVar variation 1008054 (VCV001008054.8), dbSNP rs2062280681, ClinGen allele CA408526820.
Genomic context (GRCh38, chr20:31,826,608, plus strand): 5'-GTGGGTGGCAGGGAGTGATGGTGCCCAGCTGGTACCCTTGACTTCCCTGGTCCCCAGGAA[A>G]TGGTGTTGCTGGAGATTGAGGTCATGAACCAGCTGAACCACCGCAATCTGATCCAGCTGT-3'
Protein context (NP_149109.1, residues 316-336): IKKQTPKDKE[Met326Val]VLLEIEVMNQ

ClinVar aggregate classification (germline): Uncertain significance (1 of 4 stars; one submission).

Conditions:
Hypertrophic cardiomyopathy 1 (CMH1). Also called: Familial hypertrophic cardiomyopathy 1; MYH7-Related Familial Hypertrophic Cardiomyopathy. Identifiers: MedGen C3495498, MONDO:0008647, OMIM 192600.

Allele frequency attached by ClinVar (database versions not stated): gnomAD exomes below 0.00001.

Submission:

Labcorp Genetics (formerly Invitae), Labcorp
Classification: Uncertain significance for Hypertrophic cardiomyopathy 1. Last evaluated: 2022-08-31. Review status: criteria provided, single submitter. Criteria: Invitae Variant Classification Sherloc (09022015). Collection method: clinical testing. Allele origin: germline.
Comment: This variant has not been reported in the literature in individuals affected with MYLK2-related conditions. In summary, the available evidence is currently insufficient to determine the role of this variant in disease. Therefore, it has been classified as a Variant of Uncertain Significance. Algorithms developed to predict the effect of sequence changes on RNA splicing suggest that this variant may create or strengthen a splice site. Algorithms developed to predict the effect of missense changes on protein structure and function (SIFT, PolyPhen-2, Align-GVGD) all suggest that this variant is likely to be tolerated. ClinVar contains an entry for this variant (Variation ID: 1008054). This variant is not present in population databases (gnomAD no frequency). This sequence change replaces methionine, which is neutral and non-polar, with valine, which is neutral and non-polar, at codon 326 of the MYLK2 protein (p.Met326Val).